The following is an entry in ClinVar:

ClinVar aggregate classification (germline): Uncertain significance (1 of 4 stars; one submission).

Allele frequency attached by ClinVar (database versions not stated): gnomAD exomes below 0.00001.
gnomAD v4.1: 2 of 1,583,014 alleles (0.00013%); highest among the groups gnomAD compares: Admixed American, 0.0019%; no homozygotes.

Submission:

Labcorp Genetics (formerly Invitae), Labcorp
Classification: Uncertain significance. Last evaluated: 2024-12-22. Review status: criteria provided, single submitter. Criteria: Invitae Variant Classification Sherloc (09022015). Collection method: clinical testing. Allele origin: germline.
Comment: This sequence change replaces asparagine, which is neutral and polar, with serine, which is neutral and polar, at codon 593 of the TNNI3K protein (p.Asn593Ser). This variant is not present in population databases (gnomAD no frequency). This variant has not been reported in the literature in individuals affected with TNNI3K-related conditions. ClinVar contains an entry for this variant (Variation ID: 1476854). An algorithm developed to predict the effect of missense changes on protein structure and function (PolyPhen-2) suggests that this variant is likely to be disruptive. In summary, the available evidence is currently insufficient to determine the role of this variant in disease. Therefore, it has been classified as a Variant of Uncertain Significance.

NM_015978.3(TNNI3K):c.1778A>G (p.Asn593Ser)

Genes: FPGT-TNNI3K (FPGT-TNNI3K readthrough; plus strand), TNNI3K (TNNI3 interacting kinase; plus strand). Cytogenetic location: 1p31.1.
Variant type: single nucleotide variant.
Coding change: c.1778A>G on transcript NM_015978.3 (MANE Select); coding-DNA position 1778, A replaced by G.
Protein change: p.Asn593Ser; replaces asparagine 593 with serine.
Molecular consequence: missense variant.
Genome position (GRCh38, 1-based): chr1:74,436,085, A>G. VCF-style: chr1-74436085-A-G. GRCh37 (hg19) VCF-style: chr1-74901769-A-G.
Other names: c.2081A>G, p.Asn694Ser (NM_001112808.3, NM_001199327.2); short protein forms N593S, N694S.
Identifiers: ClinVar variation 1476854 (VCV001476854.5), dbSNP rs1666113849, ClinGen allele CA340788677.